The following is an entry in ClinVar:

ClinVar aggregate classification (germline): Uncertain significance (1 of 4 stars; one submission).

Allele frequency attached by ClinVar (database versions not stated): TOPMed 0.00001.

Submission:

GeneDx
Classification: Uncertain significance. Last evaluated: 2023-02-21. Review status: criteria provided, single submitter. Criteria: GeneDx Variant Classification Process June 2021. Collection method: clinical testing. Allele origin: germline. Affected: yes.
Comment: Has not been previously published as pathogenic or benign to our knowledge; In silico analysis supports that this missense variant has a deleterious effect on protein structure/function; Not observed at significant frequency in large population cohorts (gnomAD); This variant is associated with the following publications: (PMID: 25641508)

NM_001278116.2(L1CAM):c.1066G>T (p.Val356Phe)

Gene: L1CAM (L1 cell adhesion molecule; minus strand). Cytogenetic location: Xq28.
Variant type: single nucleotide variant.
Coding change: c.1066G>T on transcript NM_001278116.2 (MANE Select); coding-DNA position 1066, G replaced by T.
Protein change: p.Val356Phe; replaces valine 356 with phenylalanine.
Molecular consequence: missense variant.
Genome position (GRCh38, 1-based): chrX:153,869,860, C>A on the plus strand (G>T on the coding strand, the complement: L1CAM is on the minus strand). VCF-style: chrX-153869860-C-A. GRCh37 (hg19) VCF-style: chrX-153135315-C-A.
Other names: c.1066G>T, p.Val356Phe (NM_000425.5, NM_024003.3); c.1051G>T, p.Val351Phe (NM_001143963.2); short protein forms V351F, V356F.
Identifiers: ClinVar variation 2576730 (VCV002576730.1), dbSNP rs1343518718, ClinGen allele CA415130740.